The following is an entry in ClinVar:

NM_000138.5(FBN1):c.6688T>A (p.Cys2230Ser)

Gene: FBN1 (fibrillin 1; minus strand). Cytogenetic location: 15q21.1.
Variant type: single nucleotide variant.
Coding change: c.6688T>A on transcript NM_000138.5 (MANE Select); coding-DNA position 6688, T replaced by A.
Protein change: p.Cys2230Ser; replaces cysteine 2230 with serine.
Molecular consequence: missense variant.
Genome position (GRCh38, 1-based): chr15:48,432,917, A>T on the plus strand (T>A on the coding strand, the complement: FBN1 is on the minus strand). VCF-style: chr15-48432917-A-T. GRCh37 (hg19) VCF-style: chr15-48725114-A-T.
Other names: c.6688T>A, p.Cys2230Ser (NM_001406716.1); short protein forms C2230S.
Identifiers: ClinVar variation 3754048 (VCV003754048.2).
Genomic context (GRCh38, chr15:48,432,917, plus strand): 5'-ATGACTCACCTTTGCACATCCTACGGTCTTCTCTGAGCACATATCCCACGGGACATTTGC[A>T]TTCATATGACCCATAAGTGTTCACACATCGGAAGGCACAGAGCAGAGGATTCTGGGCACA-3'
Protein context (NP_000129.3, residues 2220-2240): RCVNTYGSYE[Cys2230Ser]KCPVGYVLRE

ClinVar aggregate classification (germline): Pathogenic (1 of 4 stars; one submission).

Conditions:
Marfan syndrome (MFS). Also called: MARFAN SYNDROME, TYPE I; Marfan syndrome type 1; Marfan's syndrome; Marfan syndrome, classic; FBN1-Related Marfan Syndrome. Identifiers: Orphanet 284963, Orphanet 558, MedGen C0024796, MONDO:0007947, OMIM 154700.
Familial thoracic aortic aneurysm and aortic dissection (TAAD). Also called: Thoracic aortic aneurysms and dissections. Identifiers: Orphanet 91387, MedGen C4707243, MONDO:0019625.

Submission:

Labcorp Genetics (formerly Invitae), Labcorp
Classification: Pathogenic for Marfan syndrome; Familial thoracic aortic aneurysm and aortic dissection. Last evaluated: 2024-12-23. Review status: criteria provided, single submitter. Criteria: Invitae Variant Classification Sherloc (09022015). Collection method: clinical testing. Allele origin: germline.
Comment: This sequence change replaces cysteine, which is neutral and slightly polar, with serine, which is neutral and polar, at codon 2230 of the FBN1 protein (p.Cys2230Ser). This variant is not present in population databases (gnomAD no frequency). This variant has not been reported in the literature in individuals affected with FBN1-related conditions. Invitae Evidence Modeling of protein sequence and biophysical properties (such as structural, functional, and spatial information, amino acid conservation, physicochemical variation, residue mobility, and thermodynamic stability) indicates that this missense variant is expected to disrupt FBN1 protein function with a positive predictive value of 95%. This variant affects a cysteine residue in the EGF-like, TGFBP or hybrid motif domains of FBN1. Cysteine residues are believed to be involved in intramolecular disulfide bridges and have been shown to be important for FBN1 protein structure (PMID: 16905551, 19349279). In addition, missense substitutions affecting cysteine residues within these domains are significantly overrepresented among patients with Marfan syndrome (PMID: 16571647, 17701892). This variant disrupts the p.Cys2230 amino acid residue in FBN1. Other variant(s) that disrupt this residue have been observed in individuals with FBN1-related conditions (PMID: 34550612; internal data), which suggests that this may be a clinically significant amino acid residue. For these reasons, this variant has been classified as Pathogenic.

Literature cited by the submitters: PubMed 16905551; PubMed 19349279; PubMed 16571647; PubMed 17701892; PubMed 34550612.